The following is an entry in ClinVar:

ClinVar aggregate classification (germline): Uncertain significance (1 of 4 stars; one submission).

Allele frequency attached by ClinVar (database versions not stated): gnomAD 0.00001; gnomAD exomes 0.00001 and 0.00002; ExAC 0.00002; TOPMed 0.00002; ESP Exome Variant Server 0.00008.
gnomAD v4.1: 23 of 1,613,586 alleles (0.0014%); highest among the groups gnomAD compares: African/African-American, 0.0027%; no homozygotes.

Submission:

Labcorp Genetics (formerly Invitae), Labcorp
Classification: Uncertain significance. Last evaluated: 2023-08-04. Review status: criteria provided, single submitter. Criteria: Invitae Variant Classification Sherloc (09022015). Collection method: clinical testing. Allele origin: germline.
Comment: This sequence change replaces glutamic acid, which is acidic and polar, with aspartic acid, which is acidic and polar, at codon 853 of the DIP2C protein (p.Glu853Asp). This variant is present in population databases (rs149928021, gnomAD 0.004%). This variant has not been reported in the literature in individuals affected with DIP2C-related conditions. ClinVar contains an entry for this variant (Variation ID: 1402519). An algorithm developed to predict the effect of missense changes on protein structure and function (PolyPhen-2) suggests that this variant¬†is likely to be tolerated. In summary, the available evidence is currently insufficient to determine the role of this variant in disease. Therefore, it has been classified as a Variant of Uncertain Significance.

NM_014974.3(DIP2C):c.2559G>C (p.Glu853Asp)

Gene: DIP2C (disco interacting protein 2 homolog C; minus strand). Cytogenetic location: 10p15.3.
Variant type: single nucleotide variant.
Coding change: c.2559G>C on transcript NM_014974.3 (MANE Select); coding-DNA position 2559, G replaced by C.
Protein change: p.Glu853Asp; replaces glutamic acid 853 with aspartic acid.
Molecular consequence: missense variant.
Genome position (GRCh38, 1-based): chr10:363,230, C>G on the plus strand (G>C on the coding strand, the complement: DIP2C is on the minus strand). VCF-style: chr10-363230-C-G. GRCh37 (hg19) VCF-style: chr10-409170-C-G.
Other names: short protein forms E853D.
Identifiers: ClinVar variation 1402519 (VCV001402519.7), dbSNP rs149928021, ClinGen allele CA5380381.